The following is an entry in ClinVar:

ClinVar aggregate classification (germline): Uncertain significance. Review status: criteria provided, single submitter (1 of 4 stars). 2 submissions from 2 submitters: Uncertain significance (1). 1 of the submissions does not count toward it. Last evaluated 2025-05-29.

Allele frequency attached by ClinVar (database versions not stated): gnomAD exomes 0.00006 and 0.00026; gnomAD 0.00010; ExAC 0.00004; TOPMed 0.00009.
gnomAD v4.1: 395 of 1,613,810 alleles (0.024%); highest among the groups gnomAD compares: Non-Finnish European, 0.032%; no homozygotes.

Submissions (2):

Ambry Genetics
Classification: Uncertain significance. Last evaluated: 2025-05-29. Review status: criteria provided, single submitter. Criteria: Ambry Variant Classification Scheme 2023. Collection method: clinical testing. Allele origin: germline.

Department of Pathology and Laboratory Medicine, Sinai Health System
Classification: Uncertain significance. Review status: no assertion criteria provided. Collection method: clinical testing. Allele origin: unknown. Affected: yes. Study: The Canadian Open Genetics Repository (COGR). Not counted in ClinVar's aggregate classification.
Comment: The WWC1 p.Cys497Tyr variant was not identified in the literature nor was it identified in ClinVar, Cosmic or LOVD 3.0. The variant was identified in dbSNP (ID: rs763165879) and in 17 of 282280 chromosomes at a frequency of 0.00006 (Genome Aggregation Database Feb 27, 2017). The variant was observed in the following populations: European (non-Finnish) in 15 of 128756 chromosomes (freq: 0.000117), South Asian in 1 of 30596 chromosomes (freq: 0.000033) and Latino in 1 of 35402 chromosomes (freq: 0.000028); it was not observed in the African, Ashkenazi Jewish, East Asian, European (Finnish) and Other populations. The variant occurs outside of the splicing consensus sequence and in silico or computational prediction software programs (SpliceSiteFinder, MaxEntScan, NNSPLICE, GeneSplicer) do not predict a difference in splicing. The p.Cys497 residue is conserved in mammals but not in more distantly related organisms, and computational analyses (PolyPhen-2, SIFT, AlignGVGD, BLOSUM, MutationTaster) provide inconsistent predictions regarding the impact to the protein; this information is not very predictive of pathogenicity. In summary, based on the above information the clinical significance of this variant cannot be determined with certainty at this time. This variant is classified as a variant of uncertain significance.

NM_015238.3(WWC1):c.1490G>A (p.Cys497Tyr)

Gene: WWC1 (WW and C2 domain containing 1; plus strand). Cytogenetic location: 5q34.
Variant type: single nucleotide variant.
Coding change: c.1490G>A on transcript NM_015238.3 (MANE Select); coding-DNA position 1490, G replaced by A.
Protein change: p.Cys497Tyr; replaces cysteine 497 with tyrosine.
Molecular consequence: missense variant.
Genome position (GRCh38, 1-based): chr5:168,423,748, G>A. VCF-style: chr5-168423748-G-A. GRCh37 (hg19) VCF-style: chr5-167850753-G-A.
Other names: c.1490G>A, p.Cys497Tyr (NM_001161661.2, NM_001161662.2); c.1490G>A (NM_001161661.1); short protein forms C497Y.
Identifiers: ClinVar variation 1050581 (VCV001050581.2), dbSNP rs763165879, ClinGen allele CA3548794.